The following is an entry in ClinVar:

NM_007186.6(CEP250):c.7043G>A (p.Cys2348Tyr)

Gene: CEP250 (centrosomal protein 250; plus strand). Cytogenetic location: 20q11.22.
Variant type: single nucleotide variant.
Coding change: c.7043G>A on transcript NM_007186.6 (MANE Select); coding-DNA position 7043, G replaced by A.
Protein change: p.Cys2348Tyr; replaces cysteine 2348 with tyrosine.
Molecular consequence: missense variant.
Genome position (GRCh38, 1-based): chr20:35,510,032, G>A. VCF-style: chr20-35510032-G-A. GRCh37 (hg19) VCF-style: chr20-34097861-G-A.
Other names: c.5147G>A, p.Cys1716Tyr (NM_001318219.1); short protein forms C1716Y, C2348Y.
Identifiers: ClinVar variation 1493100 (VCV001493100.6), dbSNP rs2147227232, ClinGen allele CA408761290.

ClinVar aggregate classification (germline): Uncertain significance (1 of 4 stars; one submission).

Submission:

Labcorp Genetics (formerly Invitae), Labcorp
Classification: Uncertain significance. Last evaluated: 2021-04-17. Review status: criteria provided, single submitter. Criteria: Invitae Variant Classification Sherloc (09022015). Collection method: clinical testing. Allele origin: germline.
Comment: In summary, the available evidence is currently insufficient to determine the role of this variant in disease. Therefore, it has been classified as a Variant of Uncertain Significance. Algorithms developed to predict the effect of missense changes on protein structure and function output the following: SIFT: "Not Available"; PolyPhen-2: "Benign"; Align-GVGD: "Not Available". The tyrosine amino acid residue is found in multiple mammalian species, suggesting that this missense change does not adversely affect protein function. These predictions have not been confirmed by published functional studies and their clinical significance is uncertain. This variant has not been reported in the literature in individuals with CEP250-related conditions. This variant is not present in population databases (ExAC no frequency). This sequence change replaces cysteine with tyrosine at codon 2348 of the CEP250 protein (p.Cys2348Tyr). The cysteine residue is weakly conserved and there is a large physicochemical difference between cysteine and tyrosine.